The following is an entry in ClinVar:

NM_003718.5(CDK13):c.1984_1986del (p.Ser662del)

Gene: CDK13 (cyclin dependent kinase 13; plus strand). Cytogenetic location: 7p14.1.
Variant type: Deletion.
Coding change: c.1984_1986del on transcript NM_003718.5 (MANE Select); coding-DNA positions 1984 to 1986, 3 bases deleted (TCA; older notation c.1984_1986delTCA).
Protein change: p.Ser662del; deletes serine 662.
Molecular consequence: inframe indel (on NM_031267.4).
Genome position (GRCh38, 1-based): chr7:39,997,606-39,997,608, TCA deleted. VCF-style (leftmost placement, unchanged base first): chr7-39997605-TTCA-T. GRCh37 (hg19) VCF-style: chr7-40037204-TTCA-T.
Other names: c.1984_1986delTCA, p.Ser662del (NM_031267.4); short protein forms S662del.
Identifiers: ClinVar variation 1973726 (VCV001973726.6), dbSNP rs1281631847, ClinGen allele CA838355091.
Genomic context (GRCh38, chr7:39,997,605, plus strand): 5'-ACTCCGATGTCTTCTTGCTGATTTACCGCTGCCCCCTGAGCTACCAGGAGGAGATGATCT[TTCA>T]AAGAGTCCAGAGGAAAAGAAAACAGCAACACAGTTACATAGTAAAAGGAGGCCTAAGTAT-3'

ClinVar aggregate classification (germline): Uncertain significance. Review status: criteria provided, multiple submitters, no conflicts (2 of 4 stars). 2 submissions from 2 submitters: Uncertain significance (2). Last evaluated 2022-03-13.

Conditions:
Congenital heart defects, dysmorphic facial features, and intellectual developmental disorder (CHDFIDD). Identifiers: Orphanet 646278, MedGen C4479246, MONDO:0044302, OMIM 617360.

Allele frequency attached by ClinVar (database versions not stated): gnomAD exomes below 0.00001.

Submissions (2):

Labcorp Genetics (formerly Invitae), Labcorp
Classification: Uncertain significance. Last evaluated: 2022-03-13. Review status: criteria provided, single submitter. Criteria: Invitae Variant Classification Sherloc (09022015). Collection method: clinical testing. Allele origin: germline.
Comment: This variant, c.1984_1986del, results in the deletion of 1 amino acid(s) of the CDK13 protein (p.Ser662del), but otherwise preserves the integrity of the reading frame. This variant is not present in population databases (gnomAD no frequency). This variant has not been reported in the literature in individuals affected with CDK13-related conditions. Experimental studies and prediction algorithms are not available or were not evaluated, and the functional significance of this variant is currently unknown. In summary, the available evidence is currently insufficient to determine the role of this variant in disease. Therefore, it has been classified as a Variant of Uncertain Significance.

Department of Pathology and Laboratory Medicine, Sinai Health System
Classification: Uncertain significance for Congenital heart defects, dysmorphic facial features, and intellectual developmental disorder. Last evaluated: 2021-07-30. Review status: criteria provided, single submitter. Criteria: ACMG Guidelines, 2015. Collection method: research. Allele origin: germline.